The following is an entry in ClinVar:

ClinVar aggregate classification (germline): Uncertain significance. Review status: criteria provided, multiple submitters, no conflicts (2 of 4 stars). 2 submissions from 2 submitters: Uncertain significance (2). Last evaluated 2022-07-05.

Conditions:
Autosomal recessive ataxia, Beauce type. Also called: Spinocerebellar ataxia, autosomal recessive 8; ATAXIA, RECESSIVE, OF BEAUCE; SYNE1-Related Autosomal Recessive Cerebellar Ataxia; SYNE1 Deficiency. Identifiers: Orphanet 88644, MedGen C1853116, MONDO:0012549, OMIM 610743.
Emery-Dreifuss muscular dystrophy 4, autosomal dominant (EDMD4). Also called: EMERY-DREIFUSS MUSCULAR DYSTROPHY 4 WITH VARIABLE FEATURES. Identifiers: Orphanet 261, MedGen C2751807, MONDO:0013071, OMIM 612998.

Allele frequency attached by ClinVar (database versions not stated): gnomAD exomes 0.00001; TOPMed 0.00002.

Submissions (2):

Labcorp Genetics (formerly Invitae), Labcorp
Classification: Uncertain significance for Emery-Dreifuss muscular dystrophy 4, autosomal dominant; Autosomal recessive ataxia, Beauce type. Last evaluated: 2022-07-05. Review status: criteria provided, single submitter. Criteria: Invitae Variant Classification Sherloc (09022015). Collection method: clinical testing. Allele origin: germline.
Comment: This sequence change replaces glycine, which is neutral and non-polar, with arginine, which is basic and polar, at codon 7520 of the SYNE1 protein (p.Gly7520Arg). This variant is present in population databases (no rsID available, gnomAD 0.003%). This variant has not been reported in the literature in individuals affected with SYNE1-related conditions. ClinVar contains an entry for this variant (Variation ID: 284784). Algorithms developed to predict the effect of missense changes on protein structure and function are either unavailable or do not agree on the potential impact of this missense change (SIFT: "Deleterious"; PolyPhen-2: "Benign"; Align-GVGD: "Class C65"). In summary, the available evidence is currently insufficient to determine the role of this variant in disease. Therefore, it has been classified as a Variant of Uncertain Significance.

Eurofins Ntd Llc (ga)
Classification: Uncertain significance. Last evaluated: 2015-12-04. Review status: criteria provided, single submitter. Criteria: EGL Classification Definitions 2015. Collection method: clinical testing. Allele origin: germline. Observed: 1 variant allele, 1 heterozygote.

NM_182961.4(SYNE1):c.22771G>A (p.Gly7591Arg)

Gene: SYNE1 (spectrin repeat containing nuclear envelope protein 1; minus strand). Cytogenetic location: 6q25.2.
Variant type: single nucleotide variant.
Coding change: c.22771G>A on transcript NM_182961.4 (MANE Select); coding-DNA position 22771, G replaced by A.
Protein change: p.Gly7591Arg; replaces glycine 7591 with arginine.
Molecular consequence: missense variant.
Genome position (GRCh38, 1-based): chr6:152,208,025, C>T on the plus strand (G>A on the coding strand, the complement: SYNE1 is on the minus strand). VCF-style: chr6-152208025-C-T. GRCh37 (hg19) VCF-style: chr6-152529160-C-T.
Other names: c.22558G>A, p.Gly7520Arg (NM_033071.5); short protein forms G7520R, G7591R.
Identifiers: ClinVar variation 284784 (VCV000284784.10), dbSNP rs886042946, ClinGen allele CA10604906.
Genomic context (GRCh38, chr6:152,208,025, plus strand): 5'-ATCTTACCTGCACTTCATCAAAGAGGGTCCTTGCTTGTTGCAGTGGTATAGGAACACTTC[C>T]GAGACCACTCATGGGGAGGTAGGACACTTCAACCAACCATTTACGAAGCTTTTCTGCCAT-3'
Protein context (NP_892006.3, residues 7581-7601): EVSYLPMSGL[Gly7591Arg]SVPIPLQQAR